The following is an entry in ClinVar:

ClinVar aggregate classification (germline): Likely benign (1 of 4 stars; one submission).

Allele frequency attached by ClinVar (database versions not stated): 1000 Genomes Project 0.00140.

Submission:

CeGaT Center for Human Genetics Tuebingen
Classification: Likely benign. Last evaluated: 2024-12-01. Review status: criteria provided, single submitter. Criteria: CeGaT Center For Human Genetics Tuebingen Variant Classification Criteria Version 2. Collection method: clinical testing. Allele origin: germline. Affected: yes. Observed: 7 variant alleles.
Comment: IGFN1: BP4, BP7

NM_001164586.2(IGFN1):c.5139T>C (p.Asp1713=)

Gene: IGFN1 (immunoglobulin like and fibronectin type III domain containing 1; plus strand). Cytogenetic location: 1q32.1.
Variant type: single nucleotide variant.
Coding change: c.5139T>C on transcript NM_001164586.2 (MANE Select); coding-DNA position 5139, T replaced by C.
Protein change: p.Asp1713=; no amino-acid change (aspartic acid 1713 retained).
Molecular consequence: synonymous variant. On other transcripts: intron variant (1).
Genome position (GRCh38, 1-based): chr1:201,210,032, T>C. VCF-style: chr1-201210032-T-C. GRCh37 (hg19) VCF-style: chr1-201179160-T-C.
Other names: c.1242-3474T>C (NM_001367841.1).
Identifiers: ClinVar variation 2639753 (VCV002639753.24), dbSNP rs549374356, ClinGen allele CA35991680.
Genomic context (GRCh38, chr1:201,210,032, plus strand): 5'-GGATGGTTTAGGGAGTTCTGTAGAAATGGGGTCAGTGAATGAGGCAGGTTATAGGAAGGA[T>C]TTGGGGGCTCCTGAGGGAATGGGTTCAGGGAGTAAGGCAGGTTTCAGGGATGGTTTAGGG-3'
Protein context (NP_001158058.1, residues 1703-1723): GSVNEAGYRK[Asp1713=]LGAPEGMGSG